The following is an entry in ClinVar:

ClinVar aggregate classification (germline): Uncertain significance (1 of 4 stars; one submission).

Conditions:
Hypokalemic periodic paralysis, type 1. Also called: Hypokalemic Periodic Paralysis Type 1 (AD); HypoPP. Identifiers: Orphanet 681, MedGen C3714580, MONDO:0042979, OMIM 170400.
Malignant hyperthermia, susceptibility to, 5 (MHS5). Also called: CACNA1S-Related Malignant Hyperthermia Susceptibility. Identifiers: Orphanet 423, MedGen C1866077, MONDO:0011163, OMIM 601887.

Submission:

Labcorp Genetics (formerly Invitae), Labcorp
Classification: Uncertain significance for Hypokalemic periodic paralysis, type 1; Malignant hyperthermia, susceptibility to, 5. Last evaluated: 2024-10-17. Review status: criteria provided, single submitter. Criteria: Invitae Variant Classification Sherloc (09022015). Collection method: clinical testing. Allele origin: germline.
Comment: This sequence change replaces phenylalanine, which is neutral and non-polar, with leucine, which is neutral and non-polar, at codon 135 of the CACNA1S protein (p.Phe135Leu). This variant is not present in population databases (gnomAD no frequency). This variant has not been reported in the literature in individuals affected with CACNA1S-related conditions. Invitae Evidence Modeling of protein sequence and biophysical properties (such as structural, functional, and spatial information, amino acid conservation, physicochemical variation, residue mobility, and thermodynamic stability) indicates that this missense variant is not expected to disrupt CACNA1S protein function with a negative predictive value of 95%. In summary, the available evidence is currently insufficient to determine the role of this variant in disease. Therefore, it has been classified as a Variant of Uncertain Significance.

NM_000069.3(CACNA1S):c.403T>C (p.Phe135Leu)

Gene: CACNA1S (calcium voltage-gated channel subunit alpha1 S; minus strand). Cytogenetic location: 1q32.1.
Variant type: single nucleotide variant.
Coding change: c.403T>C on transcript NM_000069.3 (MANE Select); coding-DNA position 403, T replaced by C.
Protein change: p.Phe135Leu; replaces phenylalanine 135 with leucine.
Molecular consequence: missense variant.
Genome position (GRCh38, 1-based): chr1:201,092,110, A>G on the plus strand (T>C on the coding strand, the complement: CACNA1S is on the minus strand). VCF-style: chr1-201092110-A-G. GRCh37 (hg19) VCF-style: chr1-201061238-A-G.
Other names: short protein forms F135L.
Identifiers: ClinVar variation 3759008 (VCV003759008.2).
Genomic context (GRCh38, chr1:201,092,110, plus strand): 5'-TGCTGCTCATTGGGGCTGTGTGGCTTTGGATGACGTTAACCTGTTCCAGAATCACGGTGA[A>G]GACCCTAGAATGGAGAAGAGGGAGAGAGGGGGTCCAGGGGTTGGAAAAGCCACTGCCCCA-3'
Protein context (NP_000060.2, residues 125-145): LDFTIVFLGV[Phe135Leu]TVILEQVNVI